The following is an entry in ClinVar:

NM_014633.5(CTR9):c.3368C>T (p.Pro1123Leu)

Gene: CTR9 (CTR9 homolog, Paf1/RNA polymerase II complex component; plus strand). Cytogenetic location: 11p15.4.
Variant type: single nucleotide variant.
Coding change: c.3368C>T on transcript NM_014633.5 (MANE Select); coding-DNA position 3368, C replaced by T.
Protein change: p.Pro1123Leu; replaces proline 1123 with leucine.
Molecular consequence: missense variant.
Genome position (GRCh38, 1-based): chr11:10,778,951, C>T. VCF-style: chr11-10778951-C-T. GRCh37 (hg19) VCF-style: chr11-10800498-C-T.
Other names: c.3296C>T, p.Pro1099Leu (NM_001346279.2); short protein forms P1099L, P1123L.
Identifiers: ClinVar variation 1809901 (VCV001809901.1), dbSNP rs1863287062, ClinGen allele CA379679626.
Genomic context (GRCh38, chr11:10,778,951, plus strand): 5'-ACAATGAATCTGTGCAGTCAGGGAGAAGCCACTCAGGAGTTTCTGAGAACGACTCTCGCC[C>T]AGCTTCTCCAAGTGCCGAATCAGATCACGAATCGGAGAGAGGATCTGATAATGAGGGTTC-3'
Protein context (NP_055448.1, residues 1113-1133): HSGVSENDSR[Pro1123Leu]ASPSAESDHE

ClinVar aggregate classification (germline): Uncertain significance (1 of 4 stars; one submission).

Allele frequency attached by ClinVar (database versions not stated): gnomAD exomes below 0.00001.
gnomAD v4.1: 2 of 1,614,124 alleles (0.00012%); highest among the groups gnomAD compares: Non-Finnish European, 0.00017%; no homozygotes.

Submission:

GeneDx
Classification: Uncertain significance. Last evaluated: 2022-06-27. Review status: criteria provided, single submitter. Criteria: GeneDx Variant Classification Process June 2021. Collection method: clinical testing. Allele origin: germline. Affected: yes.
Comment: Not observed at significant frequency in large population cohorts (gnomAD); In silico analysis supports that this missense variant does not alter protein structure/function; Has not been previously published as pathogenic or benign to our knowledge